The following is an entry in ClinVar:

NM_000548.5(TSC2):c.1760A>G (p.Tyr587Cys)

Gene: TSC2 (TSC complex subunit 2; plus strand). Cytogenetic location: 16p13.3.
Variant type: single nucleotide variant.
Coding change: c.1760A>G on transcript NM_000548.5 (MANE Select); coding-DNA position 1760, A replaced by G.
Protein change: p.Tyr587Cys; replaces tyrosine 587 with cysteine.
Molecular consequence: missense variant.
Genome position (GRCh38, 1-based): chr16:2,070,499, A>G. VCF-style: chr16-2070499-A-G. GRCh37 (hg19) VCF-style: chr16-2120500-A-G.
Other names: c.1760A>G, p.Tyr587Cys (NM_001077183.3, NM_001114382.3, NM_001363528.2 and 3 more transcripts); c.1649A>G, p.Tyr550Cys (NM_001318827.2); c.1613A>G, p.Tyr538Cys (NM_001318829.2); c.1160A>G, p.Tyr387Cys (NM_001318831.2); c.1793A>G, p.Tyr598Cys (NM_001318832.2); short protein forms Y387C, Y587C, Y538C, Y550C, Y598C.
Identifiers: ClinVar variation 655995 (VCV000655995.10), dbSNP rs1487642536, ClinGen allele CA394272845.

ClinVar aggregate classification (germline): Uncertain significance. Review status: criteria provided, multiple submitters, no conflicts (2 of 4 stars). 3 submissions from 3 submitters: Uncertain significance (3). Last evaluated 2025-06-10.

Conditions:
Tuberous sclerosis 2 (TSC2). Identifiers: Orphanet 805, MedGen C1860707, MONDO:0013199, OMIM 613254.
Tuberous sclerosis syndrome (TSC). Also called: Tuberous sclerosis; Tuberous Sclerosis Complex. Identifiers: Orphanet 805, MedGen C0041341, MONDO:0001734.
Hereditary cancer-predisposing syndrome. Also called: Neoplastic Syndromes, Hereditary; Hereditary neoplastic syndrome; Hereditary Cancer Syndrome; Tumor predisposition. Identifiers: Orphanet 140162, MedGen C0027672, MeSH D009386, MONDO:0015356.

Allele frequency attached by ClinVar (database versions not stated): gnomAD exomes below 0.00001; TOPMed 0.00002.
gnomAD v4.1: 1 of 1,613,418 alleles (0.000062%); highest among the groups gnomAD compares: Non-Finnish European, 0.000085%; no homozygotes.

Submissions (3):

Labcorp Genetics (formerly Invitae), Labcorp
Classification: Uncertain significance for Tuberous sclerosis 2. Last evaluated: 2025-06-10. Review status: criteria provided, single submitter. Criteria: Invitae Variant Classification Sherloc (09022015). Collection method: clinical testing. Allele origin: germline.
Comment: This sequence change replaces tyrosine, which is neutral and polar, with cysteine, which is neutral and slightly polar, at codon 587 of the TSC2 protein (p.Tyr587Cys). This variant is not present in population databases (gnomAD no frequency). This variant has not been reported in the literature in individuals affected with TSC2-related conditions. ClinVar contains an entry for this variant (Variation ID: 655995). Invitae Evidence Modeling of protein sequence and biophysical properties (such as structural, functional, and spatial information, amino acid conservation, physicochemical variation, residue mobility, and thermodynamic stability) indicates that this missense variant is not expected to disrupt TSC2 protein function with a negative predictive value of 95%. In summary, the available evidence is currently insufficient to determine the role of this variant in disease. Therefore, it has been classified as a Variant of Uncertain Significance.

Ambry Genetics
Classification: Uncertain significance for Hereditary cancer-predisposing syndrome. Last evaluated: 2025-01-14. Review status: criteria provided, single submitter. Criteria: Ambry Variant Classification Scheme 2023. Collection method: clinical testing. Allele origin: germline.
Comment: The p.Y587C variant (also known as c.1760A>G), located in coding exon 16 of the TSC2 gene, results from an A to G substitution at nucleotide position 1760. The tyrosine at codon 587 is replaced by cysteine, an amino acid with highly dissimilar properties. This amino acid position is highly conserved in available vertebrate species. In addition, this alteration is predicted to be deleterious by in silico analysis. Based on the available evidence, the clinical significance of this variant remains unclear.

All of Us Research Program, National Institutes of Health
Classification: Uncertain significance for Tuberous sclerosis syndrome. Last evaluated: 2024-08-06. Review status: criteria provided, single submitter. Criteria: ACMG Guidelines, 2015. Collection method: clinical testing. Allele origin: germline. Inheritance: Autosomal dominant inheritance. Observed: 2 variant alleles, 2 heterozygotes.
Comment: This study involves interpretation of variants in research participants for the purpose of population health screening. Participant phenotype was not available at the time of variant classification. Additional details can be found in publication PMID: 35346344, PMCID: PMC8962531